The following is an entry in ClinVar:

ClinVar aggregate classification (germline): Conflicting classifications of pathogenicity. Review status: criteria provided, conflicting classifications (1 of 4 stars). 3 submissions from 3 submitters: Uncertain significance (2); Likely benign (1). Last evaluated 2024-12-09.

Conditions:
Global developmental delay - lung cysts - overgrowth - Wilms tumor syndrome. Also called: GLOW Syndrome; GLOBAL DEVELOPMENTAL DELAY, LUNG CYSTS, OVERGROWTH, AND WILMS TUMOR. Identifiers: Orphanet 404476, MedGen C4748924, MONDO:0018445, OMIM 618272.
DICER1-related tumor predisposition. Also called: DICER1-related pleuropulmonary blastoma cancer predisposition syndrome; DICER1 syndrome. Identifiers: Orphanet 284343, MedGen C3839822, MONDO:0100216.
Hereditary cancer-predisposing syndrome. Also called: Tumor predisposition; Neoplastic Syndromes, Hereditary; Hereditary Cancer Syndrome; Hereditary neoplastic syndrome. Identifiers: Orphanet 140162, MedGen C0027672, MeSH D009386, MONDO:0015356.

Allele frequency attached by ClinVar (database versions not stated): gnomAD exomes below 0.00001 and 0.00001; gnomAD 0.00001; TOPMed 0.00001; ESP Exome Variant Server 0.00008.
gnomAD v4.1: 4 of 1,614,092 alleles (0.00025%); highest among the groups gnomAD compares: Non-Finnish European, 0.00034%; no homozygotes.

Submissions (3):

Labcorp Genetics (formerly Invitae), Labcorp
Classification: Uncertain significance for DICER1-related tumor predisposition. Last evaluated: 2024-12-09. Review status: criteria provided, single submitter. Criteria: Invitae Variant Classification Sherloc (09022015). Collection method: clinical testing. Allele origin: germline.
Comment: This sequence change replaces lysine, which is basic and polar, with arginine, which is basic and polar, at codon 1272 of the DICER1 protein (p.Lys1272Arg). This variant is present in population databases (rs151197809, gnomAD 0.0009%). This variant has not been reported in the literature in individuals affected with DICER1-related conditions. ClinVar contains an entry for this variant (Variation ID: 477165). Invitae Evidence Modeling of protein sequence and biophysical properties (such as structural, functional, and spatial information, amino acid conservation, physicochemical variation, residue mobility, and thermodynamic stability) indicates that this missense variant is not expected to disrupt DICER1 protein function with a negative predictive value of 95%. In summary, the available evidence is currently insufficient to determine the role of this variant in disease. Therefore, it has been classified as a Variant of Uncertain Significance.

Ambry Genetics
Classification: Likely benign for Hereditary cancer-predisposing syndrome. Last evaluated: 2024-09-10. Review status: criteria provided, single submitter. Criteria: Ambry Variant Classification Scheme 2023. Collection method: clinical testing. Allele origin: germline.

Baylor Genetics
Classification: Uncertain significance for Global developmental delay - lung cysts - overgrowth - Wilms tumor syndrome. Last evaluated: 2023-10-10. Review status: criteria provided, single submitter. Criteria: ACMG Guidelines, 2015. Collection method: clinical testing. Allele origin: unknown.

NM_177438.3(DICER1):c.3815A>G (p.Lys1272Arg)

Gene: DICER1 (dicer 1, ribonuclease III; minus strand). Cytogenetic location: 14q32.13.
Variant type: single nucleotide variant.
Coding change: c.3815A>G on transcript NM_177438.3 (MANE Select); coding-DNA position 3815, A replaced by G.
Protein change: p.Lys1272Arg; replaces lysine 1272 with arginine.
Molecular consequence: missense variant.
Genome position (GRCh38, 1-based): chr14:95,103,581, T>C on the plus strand (A>G on the coding strand, the complement: DICER1 is on the minus strand). VCF-style: chr14-95103581-T-C. GRCh37 (hg19) VCF-style: chr14-95569918-T-C.
Other names: c.3815A>G, p.Lys1272Arg (NM_001195573.1, NM_001271282.3, NM_001291628.2 and 1 more transcripts); short protein forms K1272R.
Identifiers: ClinVar variation 477165 (VCV000477165.18), dbSNP rs151197809, ClinGen allele CA265905929.
Genomic context (GRCh38, chr14:95,103,581, plus strand): 5'-GGGCCAAGAGTCCTTGAGGAGTACCCAATAGAAGGGCTCTGCTCAGAATCCATCCTGCCC[T>C]TGAGCACTTGAATAGTGTCTGTCGTACCAGGCATTACGGCCATCACAGGACTTCCATCTG-3'
Protein context (NP_803187.1, residues 1262-1282): PGTTDTIQVL[Lys1272Arg]GRMDSEQSPS